The following is an entry in ClinVar:

ClinVar aggregate classification (germline): Likely benign (1 of 4 stars; one submission).

Conditions:
SCYL1-related disorder. Also called: SCYL1-related condition.

Submission:

PreventionGenetics, part of Exact Sciences
Classification: Likely benign for SCYL1-related condition. Last evaluated: 2026-07-22. Review status: criteria provided, single submitter. Criteria: ACMG Guidelines, 2015. Collection method: clinical testing. Allele origin: germline.
Comment: This variant is classified as likely benign based on ACMG/AMP sequence variant interpretation guidelines (Richards et al. 2015 PMID: 25741868, with internal and published modifications).

NM_020680.4(SCYL1):c.2052A>G (p.Lys684=)

Gene: SCYL1 (SCY1 like pseudokinase 1; plus strand). Cytogenetic location: 11q13.1.
Variant type: single nucleotide variant.
Coding change: c.2052A>G on transcript NM_020680.4 (MANE Select); coding-DNA position 2052, A replaced by G.
Protein change: p.Lys684=; no amino-acid change (lysine 684 retained).
Molecular consequence: synonymous variant. On other transcripts: intron variant (5).
Genome position (GRCh38, 1-based): chr11:65,537,987, A>G. VCF-style: chr11-65537987-A-G. GRCh37 (hg19) VCF-style: chr11-65305458-A-G.
Other names: c.2001A>G, p.Lys667= (NM_001048218.2, NM_001425194.1, NM_001425198.1); c.2049A>G, p.Lys683= (NM_001411022.1, NM_001425179.1, NM_001425180.1 and 3 more transcripts); c.2046A>G, p.Lys682= (NM_001425182.1); c.1998A>G, p.Lys666= (NM_001425183.1, NM_001425184.1, NM_001425195.1); c.1974A>G, p.Lys658= (NM_001425187.1); c.2052A>G, p.Lys684= (NM_001425188.1, NM_001425196.1); c.1968A>G, p.Lys656= (NM_001425189.1); c.1938A>G, p.Lys646= (NM_001425191.1); and 15 more.
Identifiers: ClinVar variation 4998893 (VCV004998893.1).
Genomic context (GRCh38, chr11:65,537,987, plus strand): 5'-CTTGGGCCCAGGGCTACTTCCCCCTCCCGCTCTTCTACAGGTCAGCAACTCCGACCACAA[A>G]TCCTCCAAATCCCCAGAGTCCGACTGGAGCAGCTGGGAAGCTGAGGGCTCCTGGGAACAG-3'
Protein context (NP_065731.3, residues 674-694): RASQVSNSDH[Lys684=]SSKSPESDWS